The following is an entry in ClinVar:

NM_002907.4(RECQL):c.1489dup (p.Ile497fs)

Gene: RECQL (RecQ like helicase; minus strand). Cytogenetic location: 12p12.1.
Variant type: Duplication.
Coding change: c.1489dup on transcript NM_002907.4 (MANE Select); coding-DNA position 1489, one base duplicated (A; older notation c.1489dupA).
Protein change: p.Ile497fs; shifts the reading frame from isoleucine 497.
Molecular consequence: frameshift variant.
Genome position (GRCh38, 1-based): chr12:21,471,606, T duplicated on the plus strand (A on the coding strand, the reverse complement: RECQL is on the minus strand); the first of 2 consecutive T bases (chr12:21,471,606-21,471,607); duplicating either gives the same sequence. VCF-style (leftmost placement, unchanged base first): chr12-21471605-A-AT. GRCh37 (hg19) VCF-style: chr12-21624539-A-AT.
Other names: c.1489dupA (NM_002907.3); c.1489dup, p.Ile497fs (NM_032941.3); short protein forms I497fs.
Identifiers: ClinVar variation 935096 (VCV000935096.13), dbSNP rs768421666, ClinGen allele CA6478731.

ClinVar aggregate classification (germline): Uncertain significance. Review status: criteria provided, multiple submitters, no conflicts (2 of 4 stars). 5 submissions from 5 submitters: Uncertain significance (4). 1 of the submissions does not count toward it. Last evaluated 2024-05-19.

Conditions:
RECQL-related disorder. Also called: RECQL-related condition.
RECON progeroid syndrome (RECON). Identifiers: MedGen C5830504, MONDO:0957266, OMIM 620370.

Submissions (5):

Labcorp Genetics (formerly Invitae), Labcorp
Classification: Uncertain significance. Last evaluated: 2024-05-19. Review status: criteria provided, single submitter. Criteria: Invitae Variant Classification Sherloc (09022015). Collection method: clinical testing. Allele origin: germline.
Comment: This sequence change creates a premature translational stop signal (p.Ile497Asnfs*12) in the RECQL gene. It is expected to result in an absent or disrupted protein product. However, the current clinical and genetic evidence is not sufficient to establish whether loss-of-function variants in RECQL cause disease. This variant is present in population databases (rs768421666, gnomAD 0.04%). This premature translational stop signal has been observed in individual(s) with breast cancer (PMID: 32427313). ClinVar contains an entry for this variant (Variation ID: 935096). In summary, the available evidence is currently insufficient to determine the role of this variant in disease. Therefore, it has been classified as a Variant of Uncertain Significance.

Fulgent Genetics
Classification: Uncertain significance for RECON progeroid syndrome. Last evaluated: 2024-03-18. Review status: criteria provided, single submitter. Criteria: ACMG Guidelines, 2015. Collection method: clinical testing. Allele origin: germline.

GeneDx
Classification: Uncertain significance. Last evaluated: 2023-10-12. Review status: criteria provided, single submitter. Criteria: GeneDx Variant Classification Process June 2021. Collection method: clinical testing. Allele origin: germline.
Comment: Frameshift variant predicted to result in protein truncation or nonsense mediated decay in a gene or region of a gene for which loss of function is not a well-established mechanism of disease; Observed in an individual with breast cancer but also observed in unaffected controls in a meta-analysis of individuals undergoing multigene germline hereditary cancer testing (PMID: 32427313); Variants in candidate genes are classified as variants of uncertain significance in accordance with ACMG guidelines (PMID: 25741868); This variant is associated with the following publications: (PMID: 27248010, 19151156, 32427313)

Ambry Genetics
Classification: Uncertain significance. Last evaluated: 2023-02-01. Review status: criteria provided, single submitter. Criteria: Ambry Variant Classification Scheme 2023. Collection method: clinical testing. Allele origin: germline.
Comment: The c.1489dupA variant, located in coding exon 12 of the RECQL gene, results from a duplication of A at nucleotide position 1489, causing a translational frameshift with a predicted alternate stop codon (p.I497Nfs*12). This alteration is expected to result in premature protein truncation or nonsense-mediated mRNA decay. The evidence for this gene-disease relationship is limited; therefore, the clinical significance of this alteration is unclear.

PreventionGenetics, part of Exact Sciences
Classification: Uncertain significance for RECQL-related condition. Last evaluated: 2024-04-15. Review status: no assertion criteria provided. Collection method: clinical testing. Allele origin: germline. Not counted in ClinVar's aggregate classification.
Comment: The RECQL c.1489dupA variant is predicted to result in a frameshift and premature protein termination (p.Ile497Asnfs*12). This variant was reported in individuals with breast cancer and in one unaffected individual (Supplemental Table 3 in Palmer et al. 2020. PubMed ID: 32427313). This variant is reported in 0.044% of alleles in individuals of African descent in gnomAD. This variant has been interpreted as uncertain in ClinVar. Although we suspect that this variant may be pathogenic, at this time, the clinical significance of this variant is uncertain due to the absence of conclusive functional and genetic evidence.

Literature cited by the submitters: PubMed 32427313 (cited by Labcorp Genetics (formerly Invitae), Labcorp).